The following is an entry in ClinVar:

NM_002336.3(LRP6):c.1590C>G (p.Asp530Glu)

Gene: LRP6 (LDL receptor related protein 6; minus strand). Cytogenetic location: 12p13.2.
Variant type: single nucleotide variant.
Coding change: c.1590C>G on transcript NM_002336.3 (MANE Select); coding-DNA position 1590, C replaced by G.
Protein change: p.Asp530Glu; replaces aspartic acid 530 with glutamic acid.
Molecular consequence: missense variant. On other transcripts: non-coding transcript variant (1), intron variant (1).
Genome position (GRCh38, 1-based): chr12:12,165,251, G>C on the plus strand (C>G on the coding strand, the complement: LRP6 is on the minus strand). VCF-style: chr12-12165251-G-C. GRCh37 (hg19) VCF-style: chr12-12318185-G-C.
Other names: c.1590C>G, p.Asp530Glu (NM_001414244.1, NM_001414245.1, NM_001414246.1 and 4 more transcripts); c.1392C>G, p.Asp464Glu (NM_001414247.1); c.1137C>G, p.Asp379Glu (NM_001414252.1, NM_001414253.1, NM_001414254.1); c.1546-2832C>G (NM_001414255.1); short protein forms D530E, D464E, D379E.
Identifiers: ClinVar variation 4751985 (VCV004751985.1).

ClinVar aggregate classification (germline): Uncertain significance (1 of 4 stars; one submission).

gnomAD v4.1: 3 of 1,613,914 alleles (0.00019%); highest among the groups gnomAD compares: African/African-American, 0.004%; no homozygotes.

Submission:

Labcorp Genetics (formerly Invitae), Labcorp
Classification: Uncertain significance. Last evaluated: 2025-06-14. Review status: criteria provided, single submitter. Criteria: Invitae Variant Classification Sherloc (09022015). Collection method: clinical testing. Allele origin: germline.
Comment: This sequence change replaces aspartic acid, which is acidic and polar, with glutamic acid, which is acidic and polar, at codon 530 of the LRP6 protein (p.Asp530Glu). This variant is not present in population databases (gnomAD no frequency). This variant has not been reported in the literature in individuals affected with LRP6-related conditions. Invitae Evidence Modeling of protein sequence and biophysical properties (such as structural, functional, and spatial information, amino acid conservation, physicochemical variation, residue mobility, and thermodynamic stability) indicates that this missense variant is not expected to disrupt LRP6 protein function with a negative predictive value of 80%. In summary, the available evidence is currently insufficient to determine the role of this variant in disease. Therefore, it has been classified as a Variant of Uncertain Significance.